The following is an entry in ClinVar:

NM_022124.6(CDH23):c.9659A>G (p.Glu3220Gly)

Gene: CDH23 (cadherin related 23; plus strand). Cytogenetic location: 10q22.1.
Variant type: single nucleotide variant.
Coding change: c.9659A>G on transcript NM_022124.6 (MANE Select); coding-DNA position 9659, A replaced by G.
Protein change: p.Glu3220Gly; replaces glutamic acid 3220 with glycine.
Molecular consequence: missense variant. On other transcripts: intron variant (2).
Genome position (GRCh38, 1-based): chr10:71,813,269, A>G. VCF-style: chr10-71813269-A-G. GRCh37 (hg19) VCF-style: chr10-73573026-A-G.
Other names: c.2939A>G, p.Glu980Gly (NM_001171933.1); c.350A>G, p.Glu117Gly (NM_001171935.1); c.2913+379A>G (NM_001171934.1); c.324+379A>G (NM_001171936.1); short protein forms E117G, E3220G, E980G.
Identifiers: ClinVar variation 4873171 (VCV004873171.2).
Genomic context (GRCh38, chr10:71,813,269, plus strand): 5'-GGCCTTGGTGGGGGTTAACCCTTTCCCTCCCCCAGGGCTCGCTGCTGAAGGTGGTCCTGG[A>G]GGATTACCTGCGGCTCAAAAAGCTCTTTGCACAGCGGATGGTGCAAAAAGCCTCCTCCTG-3'
Protein context (NP_071407.4, residues 3210-3230): IKGSLLKVVL[Glu3220Gly]DYLRLKKLFA

ClinVar aggregate classification (germline): Uncertain significance (1 of 4 stars; one submission).

Submission:

CeGaT Center for Human Genetics Tuebingen
Classification: Uncertain significance. Last evaluated: 2026-04-01. Review status: criteria provided, single submitter. Criteria: CeGaT Center For Human Genetics Tuebingen Variant Classification Criteria Version 2. Collection method: clinical testing. Allele origin: germline. Affected: yes. Observed: 1 variant allele.
Comment: CDH23: PM2